The following is an entry in ClinVar:

NM_024426.6(WT1):c.410C>A (p.Pro137Gln)

Genes: WT1 (WT1 transcription factor; minus strand), LOC107982234 (WT1/WT1-AS bi-directional promoter region; plus strand). Cytogenetic location: 11p13.
Variant type: single nucleotide variant.
Coding change: c.410C>A on transcript NM_024426.6 (MANE Select); coding-DNA position 410, C replaced by A.
Protein change: p.Pro137Gln; replaces proline 137 with glutamine.
Molecular consequence: missense variant. On other transcripts: non-coding transcript variant (2).
Genome position (GRCh38, 1-based): chr11:32,434,951, G>T on the plus strand (C>A on the coding strand, the complement: WT1 is on the minus strand). VCF-style: chr11-32434951-G-T. GRCh37 (hg19) VCF-style: chr11-32456497-G-T.
Other names: c.410C>A, p.Pro137Gln (NM_000378.6, NM_001407044.1, NM_001407045.1 and 6 more transcripts); c.191C>A, p.Pro64Gln (NM_001429031.1, NM_001429032.1, NM_001429033.1 and 1 more transcripts); short protein forms P132Q, P137Q, P64Q.
Identifiers: ClinVar variation 3386204 (VCV003386204.1).

ClinVar aggregate classification (germline): Uncertain significance (1 of 4 stars; one submission).

Conditions:
Wilms tumor 1 (WT1). Also called: Wilms tumor, somatic. Identifiers: Orphanet 654, MedGen CN033288, MONDO:0008679, OMIM 194070.

gnomAD v4.1: 4 of 1,567,730 alleles (0.00026%); highest among the groups gnomAD compares: East Asian, 0.0023%; no homozygotes.

Submission:

All of Us Research Program, National Institutes of Health
Classification: Uncertain significance for Wilms tumor 1. Last evaluated: 2024-04-25. Review status: criteria provided, single submitter. Criteria: ACMG Guidelines, 2015. Collection method: clinical testing. Allele origin: germline. Inheritance: Autosomal dominant inheritance. Observed: 1 variant allele, 1 heterozygote.
Comment: This missense variant replaces proline with glutamine at codon 132 of the WT1 protein. Computational prediction suggests that this variant may not impact protein structure and function. To our knowledge, functional studies have not been reported for this variant. This variant has not been reported in individuals affected with WT1-related disorders in the literature. This variant has been identified in 3/166604 chromosomes in the general population by the Genome Aggregation Database (gnomAD). The available evidence is insufficient to determine the role of this variant in disease conclusively. Therefore, this variant is classified as a Variant of Uncertain Significance.

This study involves interpretation of variants in research participants for the purpose of population health screening. Participant phenotype was not available at the time of variant classification. Additional details can be found in publication PMID: 35346344, PMCID: PMC8962531